The following is an entry in ClinVar:

NM_001231.5(CASQ1):c.502C>T (p.Arg168Ter)

Gene: CASQ1 (calsequestrin 1; plus strand). Cytogenetic location: 1q23.2.
Variant type: single nucleotide variant.
Coding change: c.502C>T on transcript NM_001231.5 (MANE Select); coding-DNA position 502, C replaced by T.
Protein change: p.Arg168Ter; replaces arginine 168 with a stop codon.
Molecular consequence: nonsense.
Genome position (GRCh38, 1-based): chr1:160,195,048, C>T. VCF-style: chr1-160195048-C-T. GRCh37 (hg19) VCF-style: chr1-160164838-C-T.
Other names: short protein forms R168*.
Identifiers: ClinVar variation 2068621 (VCV002068621.4), dbSNP rs558396415, ClinGen allele CA1196219.

ClinVar aggregate classification (germline): Uncertain significance (1 of 4 stars; one submission).

Allele frequency attached by ClinVar (database versions not stated): 1000 Genomes Project 0.00020; gnomAD 0.00003; TOPMed 0.00004; ExAC 0.00002; 1000 Genomes Project 30x 0.00016.
gnomAD v4.1: 21 of 1,612,928 alleles (0.0013%); highest among the groups gnomAD compares: Admixed American, 0.012%; no homozygotes.

Submission:

Labcorp Genetics (formerly Invitae), Labcorp
Classification: Uncertain significance. Last evaluated: 2023-11-25. Review status: criteria provided, single submitter. Criteria: Invitae Variant Classification Sherloc (09022015). Collection method: clinical testing. Allele origin: germline.
Comment: This sequence change creates a premature translational stop signal (p.Arg168*) in the CASQ1 gene. It is expected to result in an absent or disrupted protein product. However, the current clinical and genetic evidence is not sufficient to establish whether loss-of-function variants in CASQ1 cause disease. This variant is present in population databases (rs558396415, gnomAD 0.009%). This variant has not been reported in the literature in individuals affected with CASQ1-related conditions. ClinVar contains an entry for this variant (Variation ID: 2068621). In summary, the available evidence is currently insufficient to determine the role of this variant in disease. Therefore, it has been classified as a Variant of Uncertain Significance.